The following is an entry in ClinVar:

ClinVar aggregate classification (germline): Conflicting classifications of pathogenicity. Review status: criteria provided, conflicting classifications (1 of 4 stars). 9 submissions from 8 submitters: Uncertain significance (4); Benign (1); Likely benign (4). Last evaluated 2026-08-01.

Conditions:
Lethal Kniest-like syndrome (DDSH). Also called: Dyssegmental Dysplasia. Identifiers: Orphanet 1865, MedGen C1857100, MONDO:0009140, OMIM 224410.
Schwartz-Jampel syndrome. Also called: Myotonic myopathy dwarfism chondrodystrophy and ocular and facial abnormalities. Identifiers: Orphanet 800, MedGen C0036391, MONDO:0009717.

Allele frequency attached by ClinVar (database versions not stated): gnomAD exomes 0.00078; 1000 Genomes Project 0.00080; ESP Exome Variant Server 0.00046; ExAC 0.00073; gnomAD 0.00093 and 0.00098; 1000 Genomes Project 30x 0.00094; TOPMed 0.00099.
gnomAD v4.1: 1,514 of 1,613,482 alleles (0.094%); highest among the groups gnomAD compares: Admixed American, 0.17%; 4 homozygotes.

Submissions (9):

CeGaT Center for Human Genetics Tuebingen
Classification: Likely benign. Last evaluated: 2026-08-01. Review status: criteria provided, single submitter. Criteria: CeGaT Center For Human Genetics Tuebingen Variant Classification Criteria Version 2. Collection method: clinical testing. Allele origin: germline. Affected: yes. Observed: 4 variant alleles.
Comment: HSPG2: BP4, BP7

Labcorp Genetics (formerly Invitae), Labcorp
Classification: Likely benign. Last evaluated: 2026-01-18. Review status: criteria provided, single submitter. Criteria: Invitae Variant Classification Sherloc (09022015). Collection method: clinical testing. Allele origin: germline.

Blueprint Genetics
Classification: Likely benign. Last evaluated: 2024-11-05. Review status: criteria provided, single submitter. Criteria: ACMG Guidelines, 2015. Collection method: clinical testing. Allele origin: germline.

Athena Diagnostics
Classification: Benign. Last evaluated: 2023-11-21. Review status: criteria provided, single submitter. Criteria: Athena Diagnostics Criteria. Collection method: clinical testing. Allele origin: unknown.

ARUP Laboratories, Molecular Genetics and Genomics, ARUP Laboratories
Classification: Likely benign. Last evaluated: 2020-04-13. Review status: criteria provided, single submitter. Criteria: ARUP Molecular Germline Variant Investigation Process. Collection method: clinical testing. Allele origin: germline.

Revvity Omics, Revvity
Classification: Uncertain significance. Last evaluated: 2019-12-01. Review status: criteria provided, single submitter. Criteria: ACMG Guidelines, 2015. Collection method: clinical testing. Allele origin: germline.

Illumina Laboratory Services, Illumina
Classification: Uncertain significance for Schwartz-Jampel syndrome type 1. Last evaluated: 2018-01-12. Review status: criteria provided, single submitter. Criteria: ICSL Variant Classification Criteria 13 December 2019. Collection method: clinical testing. Allele origin: germline.

Illumina Laboratory Services, Illumina
Classification: Uncertain significance for Lethal Kniest-like syndrome. Last evaluated: 2018-01-12. Review status: criteria provided, single submitter. Criteria: ICSL Variant Classification Criteria 13 December 2019. Collection method: clinical testing. Allele origin: germline.

Eurofins Ntd Llc (ga)
Classification: Uncertain significance. Last evaluated: 2016-07-07. Review status: criteria provided, single submitter. Criteria: EGL Classification Definitions 2015. Collection method: clinical testing. Allele origin: germline. Observed: 1 variant allele, 1 heterozygote.

NM_005529.7(HSPG2):c.10512C>T (p.His3504=)

Gene: HSPG2 (heparan sulfate proteoglycan 2; minus strand). Cytogenetic location: 1p36.12.
Variant type: single nucleotide variant.
Coding change: c.10512C>T on transcript NM_005529.7 (MANE Select); coding-DNA position 10512, C replaced by T.
Protein change: p.His3504=; no amino-acid change (histidine 3504 retained).
Molecular consequence: synonymous variant.
Genome position (GRCh38, 1-based): chr1:21,834,887, G>A on the plus strand (C>T on the coding strand, the complement: HSPG2 is on the minus strand). VCF-style: chr1-21834887-G-A. GRCh37 (hg19) VCF-style: chr1-22161380-G-A.
Other names: c.10515C>T, p.His3505= (NM_001291860.2).
Identifiers: ClinVar variation 288906 (VCV000288906.41), dbSNP rs55875654, ClinGen allele CA670095.